The following is an entry in ClinVar:

NM_001385079.1(PDE10A):c.1337A>G (p.Asp446Gly)

Gene: PDE10A (phosphodiesterase 10A; minus strand). Cytogenetic location: 6q27.
Variant type: single nucleotide variant.
Coding change: c.1337A>G on transcript NM_001385079.1 (MANE Select); coding-DNA position 1337, A replaced by G.
Protein change: p.Asp446Gly; replaces aspartic acid 446 with glycine.
Molecular consequence: missense variant.
Genome position (GRCh38, 1-based): chr6:165,433,128, T>C on the plus strand (A>G on the coding strand, the complement: PDE10A is on the minus strand). VCF-style: chr6-165433128-T-C. GRCh37 (hg19) VCF-style: chr6-165846616-T-C.
Other names: c.539A>G, p.Asp180Gly (NM_001130690.3); c.509A>G, p.Asp170Gly (NM_006661.4); short protein forms D446G, D170G, D180G.
Identifiers: ClinVar variation 4985901 (VCV004985901.1).

ClinVar aggregate classification (germline): Uncertain significance (1 of 4 stars; one submission).

Conditions:
PDE10A-related disorder. Also called: PDE10A-related condition.

Submission:

PreventionGenetics, part of Exact Sciences
Classification: Uncertain significance for PDE10A-related condition. Last evaluated: 2025-11-03. Review status: criteria provided, single submitter. Criteria: ACMG Guidelines, 2015. Collection method: clinical testing. Allele origin: germline.
Comment: The PDE10A c.539A>G variant is predicted to result in the amino acid substitution p.Asp180Gly. To our knowledge, this variant has not been reported in the literature or in a large population database (gnomAD), indicating this variant is rare. Although we suspect that this variant may be pathogenic, at this time, the clinical significance of this variant is uncertain due to the absence of conclusive functional and genetic evidence.